The following is an entry in ClinVar:

NM_006231.4(POLE):c.6844C>T (p.Pro2282Ser)

Gene: POLE (DNA polymerase epsilon, catalytic subunit; minus strand). Cytogenetic location: 12q24.33.
Variant type: single nucleotide variant.
Coding change: c.6844C>T on transcript NM_006231.4 (MANE Select); coding-DNA position 6844, C replaced by T.
Protein change: p.Pro2282Ser; replaces proline 2282 with serine.
Molecular consequence: missense variant.
Genome position (GRCh38, 1-based): chr12:132,624,714, G>A on the plus strand (C>T on the coding strand, the complement: POLE is on the minus strand). VCF-style: chr12-132624714-G-A. GRCh37 (hg19) VCF-style: chr12-133201300-G-A.
Other names: short protein forms P2282S.
Identifiers: ClinVar variation 1481826 (VCV001481826.6), dbSNP rs760606145, ClinGen allele CA387365590.
Genomic context (GRCh38, chr12:132,624,714, plus strand): 5'-GAGGCCTGGCACGGACGCAGAGGCACCCGGGGCCCGGGGCTGGCTAATGGCCCAGCTGTG[G>A]GTTCTTCTGCAGCAGCCACTCCAGGGTCTCCAGGAGGTACGACATGCCGTAGTGCTGGGC-3'
Protein context (NP_006222.2, residues 2272-2286): ETLEWLLQKN[Pro2282Ser]QLGH

ClinVar aggregate classification (germline): Uncertain significance (1 of 4 stars; one submission).

Submission:

Labcorp Genetics (formerly Invitae), Labcorp
Classification: Uncertain significance. Last evaluated: 2021-10-14. Review status: criteria provided, single submitter. Criteria: Invitae Variant Classification Sherloc (09022015). Collection method: clinical testing. Allele origin: germline.
Comment: This variant is not present in population databases (ExAC no frequency). This sequence change replaces proline with serine at codon 2282 of the POLE protein (p.Pro2282Ser). The proline residue is weakly conserved and there is a moderate physicochemical difference between proline and serine. This variant has not been reported in the literature in individuals affected with POLE-related conditions. Algorithms developed to predict the effect of missense changes on protein structure and function (SIFT, PolyPhen-2, Align-GVGD) all suggest that this variant is likely to be tolerated. In summary, the available evidence is currently insufficient to determine the role of this variant in disease. Therefore, it has been classified as a Variant of Uncertain Significance.